The following is an entry in ClinVar:

NM_000397.4(CYBB):c.483+2T>A

Gene: CYBB (cytochrome b-245 beta chain; plus strand). Cytogenetic location: Xp21.1.
Variant type: single nucleotide variant.
Coding change: c.483+2T>A on transcript NM_000397.4 (MANE Select); the canonical splice donor site of the intron after coding-DNA position 483, T replaced by A.
Molecular consequence: splice donor variant.
Genome position (GRCh38, 1-based): chrX:37,793,812, T>A. VCF-style: chrX-37793812-T-A. GRCh37 (hg19) VCF-style: chrX-37653065-T-A.
Identifiers: ClinVar variation 4736166 (VCV004736166.1).
Genomic context (GRCh38, chrX:37,793,812, plus strand): 5'-CTGAACTTGGAGACAGGCAAAATGAAAGTTATCTCAATTTTGCTCGAAAGAGAATAAAGG[T>A]AAGCCTCTCATTATCTGACTTAGATATTCTCTAGGCCATTACAATTGAGGACTAGATTTC-3'

ClinVar aggregate classification (germline): Pathogenic (1 of 4 stars; one submission).

Conditions:
Granulomatous disease, chronic, X-linked. Also called: CYTOCHROME b-NEGATIVE GRANULOMATOUS DISEASE, CHRONIC, X-LINKED; GRANULOMATOUS DISEASE, CHRONIC, X-LINKED, SOMATIC MOSAIC. Identifiers: Orphanet 379, MedGen C1844376, MONDO:0010600, OMIM 306400.

Submission:

Labcorp Genetics (formerly Invitae), Labcorp
Classification: Pathogenic for Granulomatous disease, chronic, X-linked. Last evaluated: 2026-01-25. Review status: criteria provided, single submitter. Criteria: Invitae Variant Classification Sherloc (09022015). Collection method: clinical testing. Allele origin: germline.
Comment: This sequence change affects a donor splice site in intron 5 of the CYBB gene. It is expected to disrupt RNA splicing. Variants that disrupt the donor or acceptor splice site typically lead to a loss of protein function (PMID: 16199547), and loss-of-function variants in CYBB are known to be pathogenic (PMID: 9585602, 20729109). This variant is not present in population databases (gnomAD no frequency). Disruption of this splice site has been observed in individuals with chronic granulomatous disease (PMID: 20729109, 39052144). Algorithms developed to predict the effect of sequence changes on RNA splicing suggest that this variant may disrupt the consensus splice site. For these reasons, this variant has been classified as Pathogenic.

Literature cited by the submitters: PubMed 16199547; PubMed 9585602; PubMed 20729109; PubMed 39052144.